The following is an entry in ClinVar:

ClinVar aggregate classification (germline): Pathogenic (1 of 4 stars; one submission).

Submission:

Labcorp Genetics (formerly Invitae), Labcorp
Classification: Pathogenic. Last evaluated: 2025-01-23. Review status: criteria provided, single submitter. Criteria: Invitae Variant Classification Sherloc (09022015). Collection method: clinical testing. Allele origin: germline.
Comment: This sequence change creates a premature translational stop signal (p.Lys133Argfs*11) in the FZD4 gene. While this is not anticipated to result in nonsense mediated decay, it is expected to disrupt the last 405 amino acid(s) of the FZD4 protein. This variant is not present in population databases (gnomAD no frequency). This variant has not been reported in the literature in individuals affected with FZD4-related conditions. This variant disrupts a region of the FZD4 protein in which other variant(s) (p.Gln505*) have been determined to be pathogenic (PMID: 15223780, 23077402). This suggests that this is a clinically significant region of the protein, and that variants that disrupt it are likely to be disease-causing. For these reasons, this variant has been classified as Pathogenic.

Literature cited by the submitters: PubMed 15223780; PubMed 23077402.

NM_012193.4(FZD4):c.398del (p.Lys133fs)

Genes: FZD4 (frizzled class receptor 4; minus strand), PRSS23 (serine protease 23; plus strand). Cytogenetic location: 11q14.2.
Variant type: Deletion.
Coding change: c.398del on transcript NM_012193.4 (MANE Select); coding-DNA position 398, one base deleted (A; older notation c.398delA).
Protein change: p.Lys133fs; shifts the reading frame from lysine 133.
Molecular consequence: frameshift variant. On other transcripts: non-coding transcript variant (2).
Genome position (GRCh38, 1-based): chr11:86,952,358, T deleted on the plus strand (A on the coding strand, the reverse complement: FZD4 is on the minus strand); the first of 2 consecutive T bases (chr11:86,952,358-86,952,359); deleting either gives the same sequence. VCF-style (leftmost placement, unchanged base first): chr11-86952357-CT-C. GRCh37 (hg19) VCF-style: chr11-86663399-CT-C.
Other names: short protein forms K133fs.
Identifiers: ClinVar variation 3729509 (VCV003729509.2).